The following is an entry in ClinVar:

NM_000094.4(COL7A1):c.247C>T (p.Gln83Ter)

Gene: COL7A1 (collagen type VII alpha 1 chain; minus strand). Cytogenetic location: 3p21.31.
Variant type: single nucleotide variant.
Coding change: c.247C>T on transcript NM_000094.4 (MANE Select); coding-DNA position 247, C replaced by T.
Protein change: p.Gln83Ter; replaces glutamine 83 with a stop codon.
Molecular consequence: nonsense.
Genome position (GRCh38, 1-based): chr3:48,594,387, G>A on the plus strand (C>T on the coding strand, the complement: COL7A1 is on the minus strand). VCF-style: chr3-48594387-G-A. GRCh37 (hg19) VCF-style: chr3-48631820-G-A.
Other names: short protein forms Q83*.
Identifiers: ClinVar variation 2004267 (VCV002004267.4), dbSNP rs2531363692, ClinGen allele CA352749236.
Genomic context (GRCh38, chr3:48,594,387, plus strand): 5'-TGGGGATCTCGTGGTCCCCAGCCCCCAGGGCCCCTACTCACCGTGGGTCATCGCTGTACT[G>A]CACTGTGGCAAAGCGCACACCCTGTGCACTGGCTGCTCCAGAGAAAGGCAGCACCAGCCC-3'

ClinVar aggregate classification (germline): Pathogenic (1 of 4 stars; one submission).

Allele frequency attached by ClinVar (database versions not stated): gnomAD exomes below 0.00001.

Submission:

Labcorp Genetics (formerly Invitae), Labcorp
Classification: Pathogenic. Last evaluated: 2022-06-10. Review status: criteria provided, single submitter. Criteria: Invitae Variant Classification Sherloc (09022015). Collection method: clinical testing. Allele origin: germline.
Comment: For these reasons, this variant has been classified as Pathogenic. This variant has not been reported in the literature in individuals affected with COL7A1-related conditions. This variant is not present in population databases (gnomAD no frequency). This sequence change creates a premature translational stop signal (p.Gln83*) in the COL7A1 gene. It is expected to result in an absent or disrupted protein product. Loss-of-function variants in COL7A1 are known to be pathogenic (PMID: 16971478).

Literature cited by the submitters: PubMed 16971478.